The following is an entry in ClinVar:

ClinVar aggregate classification (germline): Uncertain significance. Review status: criteria provided, multiple submitters, no conflicts (2 of 4 stars). 4 submissions from 4 submitters: Uncertain significance (4). Last evaluated 2025-06-11.

Conditions:
Cardiovascular phenotype. Identifiers: MedGen CN230736.
Desmin-related myofibrillar myopathy (MFM1). Also called: Desminopathy; Desmin related myopathy (former name); Desmin storage myopathy (former name); MYOFIBRILLAR MYOPATHY WITH ARRHYTHMOGENIC RIGHT VENTRICULAR CARDIOMYOPATHY; DESMIN-RELATED MYOPATHY WITH ARRHYTHMOGENIC RIGHT VENTRICULAR CARDIOMYOPATHY; Myofibrillar myopathy 1. Identifiers: Orphanet 363543, Orphanet 98909, MedGen C1832370, MONDO:0011076, OMIM 601419.
Dilated cardiomyopathy 1I (CMD1I). Identifiers: Orphanet 154, MedGen C1858154, MONDO:0011482, OMIM 604765.
Neurogenic scapuloperoneal syndrome, Kaeser type (SCPNK). Also called: KAESER SYNDROME. Identifiers: Orphanet 85146, MedGen C1867005, MONDO:0008407, OMIM 181400.

Allele frequency attached by ClinVar (database versions not stated): ExAC below 0.00001; gnomAD 0.00001; gnomAD exomes 0.00001; TOPMed 0.00001.
gnomAD v4.1: 10 of 1,550,390 alleles (0.00064%); highest among the groups gnomAD compares: African/African-American, 0.0027%; no homozygotes.

Submissions (4):

GeneDx
Classification: Uncertain significance. Last evaluated: 2025-06-11. Review status: criteria provided, single submitter. Criteria: GeneDx Variant Classification Process June 2021. Collection method: clinical testing. Allele origin: germline. Affected: yes.
Comment: Not observed at significant frequency in large population cohorts (gnomAD); In silico analysis supports that this missense variant has a deleterious effect on protein structure/function; Has not been previously published as pathogenic or benign to our knowledge; This variant is associated with the following publications: (PMID: 26807690)

Ambry Genetics
Classification: Uncertain significance for Cardiovascular phenotype. Last evaluated: 2025-02-10. Review status: criteria provided, single submitter. Criteria: Ambry Variant Classification Scheme 2023. Collection method: clinical testing. Allele origin: germline.
Comment: The p.R173S variant (also known as c.517C>A), located in coding exon 1 of the DES gene, results from a C to A substitution at nucleotide position 517. The arginine at codon 173 is replaced by serine, an amino acid with dissimilar properties. This amino acid position is highly conserved in available vertebrate species. In addition, this alteration is predicted to be deleterious by in silico analysis. Since supporting evidence is limited at this time, the clinical significance of this alteration remains unclear.

Labcorp Genetics (formerly Invitae), Labcorp
Classification: Uncertain significance for Desmin-related myofibrillar myopathy. Last evaluated: 2024-01-22. Review status: criteria provided, single submitter. Criteria: Invitae Variant Classification Sherloc (09022015). Collection method: clinical testing. Allele origin: germline.
Comment: This sequence change replaces arginine, which is basic and polar, with serine, which is neutral and polar, at codon 173 of the DES protein (p.Arg173Ser). This variant is not present in population databases (gnomAD no frequency). This variant has not been reported in the literature in individuals affected with DES-related conditions. ClinVar contains an entry for this variant (Variation ID: 1011900). Advanced modeling of protein sequence and biophysical properties (such as structural, functional, and spatial information, amino acid conservation, physicochemical variation, residue mobility, and thermodynamic stability) has been performed at Invitae for this missense variant, however the output from this modeling did not meet the statistical confidence thresholds required to predict the impact of this variant on DES protein function. In summary, the available evidence is currently insufficient to determine the role of this variant in disease. Therefore, it has been classified as a Variant of Uncertain Significance.

Fulgent Genetics
Classification: Uncertain significance for Neurogenic scapuloperoneal syndrome, Kaeser type; Desmin-related myofibrillar myopathy; Dilated cardiomyopathy 1I. Last evaluated: 2022-02-16. Review status: criteria provided, single submitter. Criteria: ACMG Guidelines, 2015. Collection method: clinical testing. Allele origin: unknown.

NM_001927.4(DES):c.517C>A (p.Arg173Ser)

Gene: DES (desmin; plus strand). Cytogenetic location: 2q35.
Variant type: single nucleotide variant.
Coding change: c.517C>A on transcript NM_001927.4 (MANE Select); coding-DNA position 517, C replaced by A.
Protein change: p.Arg173Ser; replaces arginine 173 with serine.
Molecular consequence: missense variant. On other transcripts: intron variant (1).
Genome position (GRCh38, 1-based): chr2:219,418,979, C>A. VCF-style: chr2-219418979-C-A. GRCh37 (hg19) VCF-style: chr2-220283701-C-A.
Other names: c.517C>A, p.Arg173Ser (NM_001382708.1, NM_001382709.1, NM_001382710.1 and 2 more transcripts); c.495+22C>A (NM_001382713.1); short protein forms R173S.
Identifiers: ClinVar variation 1011900 (VCV001011900.13), dbSNP rs752944882, ClinGen allele CA2125074.